The following is an entry in ClinVar:

NM_013336.4(SEC61A1):c.806C>T (p.Ser269Leu)

Genes: RUVBL1 (RuvB like AAA ATPase 1; minus strand), SEC61A1 (SEC61 translocon subunit alpha 1; plus strand). Cytogenetic location: 3q21.3.
Variant type: single nucleotide variant.
Coding change: c.806C>T on transcript NM_013336.4 (MANE Select); coding-DNA position 806, C replaced by T.
Protein change: p.Ser269Leu; replaces serine 269 with leucine.
Molecular consequence: missense variant. On other transcripts: intron variant (1).
Genome position (GRCh38, 1-based): chr3:128,066,982, C>T. VCF-style: chr3-128066982-C-T. GRCh37 (hg19) VCF-style: chr3-127785825-C-T.
Other names: c.824C>T, p.Ser275Leu (NM_001400328.1); c.647C>T, p.Ser216Leu (NM_001400329.1); c.940-1762G>A (NM_001319086.1); short protein forms S216L, S269L, S275L.
Identifiers: ClinVar variation 3236200 (VCV003236200.1), dbSNP rs1161878724, ClinGen allele CA354399205.

ClinVar aggregate classification (germline): Uncertain significance (1 of 4 stars; one submission).

Conditions:
Hyperuricemic nephropathy, familial juvenile type 4 (ADTKD5). Identifiers: MedGen C4310741, MONDO:0014891, OMIM 617056.

Allele frequency attached by ClinVar (database versions not stated): gnomAD exomes below 0.00001.
gnomAD v4.1: 5 of 1,614,168 alleles (0.00031%); highest among the groups gnomAD compares: East Asian, 0.0022%; no homozygotes.

Submission:

MVZ Medizinische Genetik Mainz
Classification: Uncertain significance for Hyperuricemic nephropathy, familial juvenile type 4. Last evaluated: 2023-01-09. Review status: criteria provided, single submitter. Criteria: UK Practice Guidelines For Variant Classification V4 01 2020. Collection method: clinical testing. Allele origin: germline. Inheritance: Autosomal dominant inheritance. Affected: yes. Observed: 1 variant allele.
Comment: ACMG Criteria: PM2_SUP, PP2, PP3 (ACMG Version 4)